The following is an entry in ClinVar:

ClinVar aggregate classification (germline): Uncertain significance (1 of 4 stars; one submission).

Conditions:
Bethlem myopathy 1A. Also called: Bethlem myopathy 1; MYOPATHY, BENIGN CONGENITAL, WITH CONTRACTURES; Bethlem Muscular Dystrophy. Identifiers: Orphanet 610, MedGen CN029274, MONDO:0024530, OMIM 158810.

gnomAD v4.1: 1 of 1,612,608 alleles (0.000062%); highest among the groups gnomAD compares: Admixed American, 0.0017%; no homozygotes.

Submission:

Labcorp Genetics (formerly Invitae), Labcorp
Classification: Uncertain significance for Bethlem myopathy 1A. Last evaluated: 2024-07-12. Review status: criteria provided, single submitter. Criteria: Invitae Variant Classification Sherloc (09022015). Collection method: clinical testing. Allele origin: germline.
Comment: This sequence change replaces valine, which is neutral and non-polar, with phenylalanine, which is neutral and non-polar, at codon 641 of the COL6A1 protein (p.Val641Phe). This variant is not present in population databases (gnomAD no frequency). This variant has not been reported in the literature in individuals affected with COL6A1-related conditions. Advanced modeling of protein sequence and biophysical properties (such as structural, functional, and spatial information, amino acid conservation, physicochemical variation, residue mobility, and thermodynamic stability) performed at Invitae indicates that this missense variant is not expected to disrupt COL6A1 protein function with a negative predictive value of 95%. In summary, the available evidence is currently insufficient to determine the role of this variant in disease. Therefore, it has been classified as a Variant of Uncertain Significance.

NM_001848.3(COL6A1):c.1921G>T (p.Val641Phe)

Gene: COL6A1 (collagen type VI alpha 1 chain; plus strand). Cytogenetic location: 21q22.3.
Variant type: single nucleotide variant.
Coding change: c.1921G>T on transcript NM_001848.3 (MANE Select); coding-DNA position 1921, G replaced by T.
Protein change: p.Val641Phe; replaces valine 641 with phenylalanine.
Molecular consequence: missense variant.
Genome position (GRCh38, 1-based): chr21:46,001,351, G>T. VCF-style: chr21-46001351-G-T. GRCh37 (hg19) VCF-style: chr21-47421265-G-T.
Other names: short protein forms V641F.
Identifiers: ClinVar variation 3612335 (VCV003612335.2).
Genomic context (GRCh38, chr21:46,001,351, plus strand): 5'-GACAGCTCAGAGAGCATTGGCCTGCAGAACTTCGAGATTGCCAAGGACTTCGTCGTCAAG[G>T]TCATCGACCGGCTGAGCCGGGACGAGCTGGTCAAGGTGAGGCCTCGCCCCGCCCGGCTTT-3'
Protein context (NP_001839.2, residues 631-651): FEIAKDFVVK[Val641Phe]IDRLSRDELV